The following is an entry in ClinVar:

NM_004211.5(SLC6A5):c.1374G>C (p.Trp458Cys)

Gene: SLC6A5 (solute carrier family 6 member 5; plus strand). Cytogenetic location: 11p15.1.
Variant type: single nucleotide variant.
Coding change: c.1374G>C on transcript NM_004211.5 (MANE Select); coding-DNA position 1374, G replaced by C.
Protein change: p.Trp458Cys; replaces tryptophan 458 with cysteine.
Molecular consequence: missense variant.
Genome position (GRCh38, 1-based): chr11:20,626,821, G>C. VCF-style: chr11-20626821-G-C. GRCh37 (hg19) VCF-style: chr11-20648367-G-C.
Other names: c.672G>C, p.Trp224Cys (NM_001318369.2); short protein forms W224C, W458C.
Identifiers: ClinVar variation 1713943 (VCV001713943.3), dbSNP rs912922347, ClinGen allele CA218738702.
Genomic context (GRCh38, chr11:20,626,821, plus strand): 5'-CCGAGGAGTCACCCTGCCTGGAGCTGGAGCTGGGATCTGGTACTTCATCACACCCAAGTG[G>C]GAGAAACTCACGGATGCCACGGTGGGCTTCTAATTTTATCTATAACCAGCCCTGGGGGAG-3'
Protein context (NP_004202.4, residues 448-468): AGIWYFITPK[Trp458Cys]EKLTDATVWK

ClinVar aggregate classification (germline): Uncertain significance (1 of 4 stars; one submission).

Conditions:
Hyperekplexia 3 (HKPX3). Also called: HYPEREKPLEXIA 3, AUTOSOMAL RECESSIVE; HYPEREKPLEXIA 3, AUTOSOMAL DOMINANT. Identifiers: Orphanet 3197, MedGen C3553288, MONDO:0013827, OMIM 614618.

Allele frequency attached by ClinVar (database versions not stated): gnomAD 0.00001; TOPMed 0.00001.
gnomAD v4.1: 1 of 1,613,906 alleles (0.000062%); highest among the groups gnomAD compares: African/African-American, 0.0013%; no homozygotes.

Submission:

Labcorp Genetics (formerly Invitae), Labcorp
Classification: Uncertain significance for Hyperekplexia 3. Last evaluated: 2022-07-27. Review status: criteria provided, single submitter. Criteria: Invitae Variant Classification Sherloc (09022015). Collection method: clinical testing. Allele origin: germline.
Comment: This sequence change replaces tryptophan, which is neutral and slightly polar, with cysteine, which is neutral and slightly polar, at codon 458 of the SLC6A5 protein (p.Trp458Cys). This variant is present in population databases (no rsID available, gnomAD 0.01%). This variant has not been reported in the literature in individuals affected with SLC6A5-related conditions. Algorithms developed to predict the effect of missense changes on protein structure and function (SIFT, PolyPhen-2, Align-GVGD) all suggest that this variant is likely to be disruptive. In summary, the available evidence is currently insufficient to determine the role of this variant in disease. Therefore, it has been classified as a Variant of Uncertain Significance.